The following is an entry in ClinVar:

ClinVar aggregate classification (germline): Uncertain significance (1 of 4 stars; one submission).

Conditions:
Wilson disease (WND). Also called: Wilson's disease. Identifiers: Orphanet 905, MedGen C0019202, MONDO:0010200, OMIM 277900. Disease mechanism: loss of function.

Allele frequency attached by ClinVar (database versions not stated): gnomAD exomes below 0.00001.
gnomAD v4.1: 1 of 1,614,028 alleles (0.000062%); highest among the groups gnomAD compares: Non-Finnish European, 0.000085%; no homozygotes.

Submission:

Labcorp Genetics (formerly Invitae), Labcorp
Classification: Uncertain significance for Wilson disease. Last evaluated: 2022-02-19. Review status: criteria provided, single submitter. Criteria: Invitae Variant Classification Sherloc (09022015). Collection method: clinical testing. Allele origin: germline.
Comment: In summary, the available evidence is currently insufficient to determine the role of this variant in disease. Therefore, it has been classified as a Variant of Uncertain Significance. Advanced modeling of protein sequence and biophysical properties (such as structural, functional, and spatial information, amino acid conservation, physicochemical variation, residue mobility, and thermodynamic stability) performed at Invitae indicates that this missense variant is expected to disrupt ATP7B protein function. This variant has not been reported in the literature in individuals affected with ATP7B-related conditions. This variant is not present in population databases (gnomAD no frequency). This sequence change replaces lysine, which is basic and polar, with glutamine, which is neutral and polar, at codon 787 of the ATP7B protein (p.Lys787Gln).

NM_000053.4(ATP7B):c.2359A>C (p.Lys787Gln)

Gene: ATP7B (ATPase copper transporting beta; minus strand). Cytogenetic location: 13q14.3.
Variant type: single nucleotide variant.
Coding change: c.2359A>C on transcript NM_000053.4 (MANE Select); coding-DNA position 2359, A replaced by C.
Protein change: p.Lys787Gln; replaces lysine 787 with glutamine.
Molecular consequence: missense variant.
Genome position (GRCh38, 1-based): chr13:51,957,604, T>G on the plus strand (A>C on the coding strand, the complement: ATP7B is on the minus strand). VCF-style: chr13-51957604-T-G. GRCh37 (hg19) VCF-style: chr13-52531740-T-G.
Other names: c.1873A>C, p.Lys625Gln (NM_001005918.3, NM_001406546.1, NM_001406541.1 and 1 more transcripts); c.2026A>C, p.Lys676Gln (NM_001243182.2); c.2125A>C, p.Lys709Gln (NM_001330578.2, NM_001406527.1, NM_001406528.1 and 2 more transcripts); c.2107A>C, p.Lys703Gln (NM_001330579.2, NM_001406531.1, NM_001406532.1 and 1 more transcripts); c.2359A>C, p.Lys787Gln (NM_001406511.1, NM_001406523.1, NM_001406525.1 and 7 more transcripts); c.2215A>C, p.Lys739Gln (NM_001406522.1, NM_001406520.1, NM_001406521.1 and 1 more transcripts); c.2182A>C, p.Lys728Gln (NM_001406524.1); c.2119A>C, p.Lys707Gln (NM_001406530.1); and 7 more; short protein forms K571Q, K703Q, K709Q, K776Q, K787Q, K677Q, K755Q, K593Q.
Identifiers: ClinVar variation 2099714 (VCV002099714.4), dbSNP rs2547710210, ClinGen allele CA388020415.
Genomic context (GRCh38, chr13:51,957,604, plus strand): 5'-TCACAACGGTGGCTTCTGTGGCTTGGAGAGACATGAGTTTAGCCAGGGCTTCTGAGGTTT[T>G]GCTCTAGGAAATAACCAGAATGTGAAATGAGAGCTATCGAAAGCAGACCTGTCCAAACCC-3'
Protein context (NP_000044.2, residues 777-797): GRWLEHLAKS[Lys787Gln]TSEALAKLMS